The following is an entry in ClinVar:

ClinVar aggregate classification (germline): Likely benign (1 of 4 stars; one submission).

Submission:

GeneDx
Classification: Likely benign. Last evaluated: 2016-12-16. Review status: criteria provided, single submitter. Criteria: GeneDx Variant Classification (06012015). Collection method: clinical testing. Allele origin: germline. Affected: yes.
Comment: This variant is considered likely benign or benign based on one or more of the following criteria: it is a conservative change, it occurs at a poorly conserved position in the protein, it is predicted to be benign by multiple in silico algorithms, and/or has population frequency not consistent with disease.

NM_001128159.3(VPS53):c.1266C>T (p.Ser422=)

Gene: VPS53 (VPS53 subunit of GARP complex; minus strand). Cytogenetic location: 17p13.3.
Variant type: single nucleotide variant.
Coding change: c.1266C>T on transcript NM_001128159.3 (MANE Select); coding-DNA position 1266, C replaced by T.
Protein change: p.Ser422=; no amino-acid change (serine 422 retained).
Molecular consequence: synonymous variant.
Genome position (GRCh38, 1-based): chr17:586,317, G>A on the plus strand (C>T on the coding strand, the complement: VPS53 is on the minus strand). VCF-style: chr17-586317-G-A. GRCh37 (hg19) VCF-style: chr17-489557-G-A.
Other names: c.1266C>T, p.Ser422= (NM_001366253.2); c.672C>T, p.Ser224= (NM_001366254.2); c.1179C>T, p.Ser393= (NM_018289.4).
Identifiers: ClinVar variation 391623 (VCV000391623.1), dbSNP rs1057524168, ClinGen allele CA16607381.